The following is an entry in ClinVar:

ClinVar aggregate classification (germline): Uncertain significance. Review status: criteria provided, multiple submitters, no conflicts (2 of 4 stars). 2 submissions from 2 submitters: Uncertain significance (2). Last evaluated 2021-10-06.

Conditions:
Epileptic encephalopathy. Identifiers: MedGen C0543888, HP:0200134.

Allele frequency attached by ClinVar (database versions not stated): gnomAD exomes 0.00002; TOPMed 0.00002; gnomAD 0.00002; ESP Exome Variant Server 0.00008.
gnomAD v4.1: 27 of 1,613,876 alleles (0.0017%); highest among the groups gnomAD compares: Non-Finnish European, 0.0021%; no homozygotes.

Submissions (2):

Ambry Genetics
Classification: Uncertain significance. Last evaluated: 2021-10-06. Review status: criteria provided, single submitter. Criteria: Ambry Variant Classification Scheme 2023. Collection method: clinical testing. Allele origin: germline.

Labcorp Genetics (formerly Invitae), Labcorp
Classification: Uncertain significance for Epileptic encephalopathy. Last evaluated: 2019-02-22. Review status: criteria provided, single submitter. Criteria: Invitae Variant Classification Sherloc (09022015). Collection method: clinical testing. Allele origin: germline.
Comment: In summary, the available evidence is currently insufficient to determine the role of this variant in disease. Therefore, it has been classified as a Variant of Uncertain Significance. Algorithms developed to predict the effect of missense changes on protein structure and function are either unavailable or do not agree on the potential impact of this missense change (SIFT: "Deleterious"; PolyPhen-2: "Benign"; Align-GVGD: "Class C0"). This variant has not been reported in the literature in individuals with RYR3-related conditions. This variant is not present in population databases (ExAC no frequency). This sequence change replaces glutamic acid with aspartic acid at codon 3970 of the RYR3 protein (p.Glu3970Asp). The glutamic acid residue is highly conserved and there is a small physicochemical difference between glutamic acid and aspartic acid.

NM_001036.6(RYR3):c.11910G>T (p.Glu3970Asp)

Gene: RYR3 (ryanodine receptor 3; plus strand). Cytogenetic location: 15q14.
Variant type: single nucleotide variant.
Coding change: c.11910G>T on transcript NM_001036.6 (MANE Select); coding-DNA position 11910, G replaced by T.
Protein change: p.Glu3970Asp; replaces glutamic acid 3970 with aspartic acid.
Molecular consequence: missense variant.
Genome position (GRCh38, 1-based): chr15:33,837,890, G>T. VCF-style: chr15-33837890-G-T. GRCh37 (hg19) VCF-style: chr15-34130091-G-T.
Other names: c.11910G>T (NM_001036.3); c.11895G>T, p.Glu3965Asp (NM_001243996.4); short protein forms E3965D, E3970D.
Identifiers: ClinVar variation 847839 (VCV000847839.10), dbSNP rs372999570, ClinGen allele CA268592036.
Genomic context (GRCh38, chr15:33,837,890, plus strand): 5'-GCAAAAACAGTACACGCAGTCAGAGATTGACTTTCTCCTGTCGTGTGCAGAAGCTGATGA[G>T]AATGACATGTTTAATTACGTTGATTTTGTAGACCGGTTCCATGAGCCAGCCAAGGACATA-3'
Protein context (NP_001027.3, residues 3960-3980): DFLLSCAEAD[Glu3970Asp]NDMFNYVDFV